The following is an entry in ClinVar:

ClinVar aggregate classification (germline): Likely benign (1 of 4 stars; one submission).

Submission:

GeneDx
Classification: Likely benign. Last evaluated: 2016-07-07. Review status: criteria provided, single submitter. Criteria: GeneDx Variant Classification (06012015). Collection method: clinical testing. Allele origin: germline. Affected: yes.
Comment: This variant is considered likely benign or benign based on one or more of the following criteria: it is a conservative change, it occurs at a poorly conserved position in the protein, it is predicted to be benign by multiple in silico algorithms, and/or has population frequency not consistent with disease.

NM_004360.5(CDH1):c.163+17G>T

Gene: CDH1 (cadherin 1; plus strand). Cytogenetic location: 16q22.1.
Variant type: single nucleotide variant.
Coding change: c.163+17G>T on transcript NM_004360.5 (MANE Select); 17 bases into the intron after coding-DNA position 163, G replaced by T.
Molecular consequence: intron variant.
Genome position (GRCh38, 1-based): chr16:68,738,428, G>T. VCF-style: chr16-68738428-G-T. GRCh37 (hg19) VCF-style: chr16-68772331-G-T.
Other names: c.163+17G>T (LRG_301t1, NM_001317184.2); c.-1453+17G>T (NM_001317185.2); c.-1657+17G>T (NM_001317186.2).
Identifiers: ClinVar variation 387682 (VCV000387682.1), dbSNP rs1005743424, ClinGen allele CA16608227.